The following is an entry in ClinVar:

ClinVar aggregate classification (germline): Uncertain significance (1 of 4 stars; one submission).

Allele frequency attached by ClinVar (database versions not stated): gnomAD 0.00001; TOPMed 0.00001; 1000 Genomes Project 0.00020; 1000 Genomes Project 30x 0.00031.
gnomAD v4.1: 2 of 1,614,212 alleles (0.00012%); highest among the groups gnomAD compares: East Asian, 0.0045%; no homozygotes.

Submission:

Ambry Genetics
Classification: Uncertain significance. Last evaluated: 2023-06-03. Review status: criteria provided, single submitter. Criteria: Ambry Variant Classification Scheme 2023. Collection method: clinical testing. Allele origin: germline.
Comment: The p.E1312Q variant (also known as c.3934G>C), located in coding exon 4 of the ALPK2 gene, results from a G to C substitution at nucleotide position 3934. The glutamic acid at codon 1312 is replaced by glutamine, an amino acid with highly similar properties. This amino acid position is conserved. In addition, this alteration is predicted to be tolerated by in silico analysis. Since supporting evidence is limited at this time, the clinical significance of this alteration remains unclear.

NM_052947.4(ALPK2):c.3934G>C (p.Glu1312Gln)

Genes: ALPK2 (alpha kinase 2; minus strand), LOC126862764 (BRD4-independent group 4 enhancer GRCh37_chr18:56202574-56203773; plus strand). Cytogenetic location: 18q21.31.
Variant type: single nucleotide variant.
Coding change: c.3934G>C on transcript NM_052947.4 (MANE Select); coding-DNA position 3934, G replaced by C.
Protein change: p.Glu1312Gln; replaces glutamic acid 1312 with glutamine.
Molecular consequence: missense variant.
Genome position (GRCh38, 1-based): chr18:58,536,253, C>G on the plus strand (G>C on the coding strand, the complement: ALPK2 is on the minus strand). VCF-style: chr18-58536253-C-G. GRCh37 (hg19) VCF-style: chr18-56203485-C-G.
Other names: short protein forms E1312Q.
Identifiers: ClinVar variation 2561805 (VCV002561805.2), dbSNP rs193279444, ClinGen allele CA300926837.